The following is an entry in ClinVar:

NM_006648.4(WNK2):c.4750A>T (p.Thr1584Ser)

Gene: WNK2 (WNK lysine deficient protein kinase 2; plus strand). Cytogenetic location: 9q22.31.
Variant type: single nucleotide variant.
Coding change: c.4750A>T on transcript NM_006648.4 (MANE Select); coding-DNA position 4750, A replaced by T.
Protein change: p.Thr1584Ser; replaces threonine 1584 with serine.
Molecular consequence: missense variant.
Genome position (GRCh38, 1-based): chr9:93,289,504, A>T. VCF-style: chr9-93289504-A-T. GRCh37 (hg19) VCF-style: chr9-96051786-A-T.
Other names: c.4861A>T, p.Thr1621Ser (NM_001282394.3); short protein forms T1584S, T1621S.
Identifiers: ClinVar variation 3817253 (VCV003817253.1).

ClinVar aggregate classification (germline): Uncertain significance (1 of 4 stars; one submission).

gnomAD v4.1: 10 of 1,605,154 alleles (0.00062%); highest among the groups gnomAD compares: Non-Finnish European, 0.00085%; no homozygotes.

Submission:

Ambry Genetics
Classification: Uncertain significance. Last evaluated: 2025-03-10. Review status: criteria provided, single submitter. Criteria: Ambry Variant Classification Scheme 2023. Collection method: clinical testing. Allele origin: germline.
Comment: The p.T1584S variant (also known as c.4750A>T), located in coding exon 19 of the WNK2 gene, results from an A to T substitution at nucleotide position 4750. The threonine at codon 1584 is replaced by serine, an amino acid with similar properties. This amino acid position is conserved. In addition, this alteration is predicted to be tolerated by in silico analysis. Based on the available evidence, the clinical significance of this variant remains unclear.